The following is an entry in ClinVar:

NM_001190274.2(FBXO11):c.1601G>C (p.Ser534Thr)

Gene: FBXO11 (F-box protein 11; minus strand). Cytogenetic location: 2p16.3.
Variant type: single nucleotide variant.
Coding change: c.1601G>C on transcript NM_001190274.2 (MANE Select); coding-DNA position 1601, G replaced by C.
Protein change: p.Ser534Thr; replaces serine 534 with threonine.
Molecular consequence: missense variant.
Genome position (GRCh38, 1-based): chr2:47,823,158, C>G on the plus strand (G>C on the coding strand, the complement: FBXO11 is on the minus strand). VCF-style: chr2-47823158-C-G. GRCh37 (hg19) VCF-style: chr2-48050297-C-G.
Other names: c.1349G>C, p.Ser450Thr (NM_001374325.1, NM_025133.4); short protein forms S450T, S534T.
Identifiers: ClinVar variation 3360257 (VCV003360257.1).

ClinVar aggregate classification (germline): Uncertain significance (1 of 4 stars; one submission).

Submission:

GeneDx
Classification: Uncertain significance. Last evaluated: 2023-06-21. Review status: criteria provided, single submitter. Criteria: GeneDx Variant Classification Process June 2021. Collection method: clinical testing. Allele origin: germline. Affected: yes.
Comment: Not observed at significant frequency in large population cohorts (gnomAD); In silico analysis supports that this missense variant has a deleterious effect on protein structure/function; Has not been previously published as pathogenic or benign to our knowledge